The following continues an entry in ClinVar:

NM_006245.4(PPP2R5D):c.598G>A (p.Glu200Lys)

Gene: PPP2R5D. ClinVar aggregate classification (germline): Pathogenic/Likely pathogenic. Pathogenic (17); Likely pathogenic (1).

Submissions 15 to 26 of 26:

Greenwood Genetic Center Diagnostic Laboratories, Greenwood Genetic Center
Classification: Pathogenic. Last evaluated: 2020-12-01. Review status: criteria provided, single submitter. Criteria: ACMG Guidelines, 2015. Collection method: clinical testing. Allele origin: germline. Affected: yes.
Comment: PS2, PS4, PP3, PM2

Institute of Medical Genetics and Applied Genomics, University Hospital Tübingen
Classification: Pathogenic. Last evaluated: 2020-10-23. Review status: criteria provided, single submitter. Criteria: ACMG Guidelines, 2015. Collection method: clinical testing. Allele origin: germline. Inheritance: Unknown mechanism. Affected: yes.

Genomic Medicine Lab, University of California San Francisco
Classification: Pathogenic for Houge-Janssens syndrome 1. Last evaluated: 2020-03-12. Review status: criteria provided, single submitter. Criteria: ACMG Guidelines, 2015. Collection method: clinical testing. Allele origin: de novo. Inheritance: Autosomal dominant inheritance. Affected: yes. Study: CSER-P3EGS.

Eurofins Ntd Llc (ga)
Classification: Pathogenic. Last evaluated: 2017-07-20. Review status: criteria provided, single submitter. Criteria: EGL Classification Definitions 2015. Collection method: clinical testing. Allele origin: germline. Observed: 1 variant allele, 1 heterozygote.

PreventionGenetics, part of Exact Sciences
Classification: Pathogenic for PPP2R5D-related condition. Last evaluated: 2024-07-18. Review status: no assertion criteria provided. Collection method: clinical testing. Allele origin: germline. Not counted in ClinVar's aggregate classification.
Comment: The PPP2R5D c.598G>A variant is predicted to result in the amino acid substitution p.Glu200Lys. This is a recurrent de novo variant that has been reported to be causative for autosomal dominant Houge-Janssens syndrome 1 (Houge et al. 2015. PubMed ID: 26168268; Loveday et al. 2015. PubMed ID: 25972378; Tables S6 and S10, Lelieveld et al. 2017. PubMed ID: 28867141; Reijnders et al. 2017. PubMed ID: 29051493). This variant has not been reported in a large population database, indicating this variant is rare. This variant is interpreted as pathogenic.

Solve-RD Consortium
Classification: Likely pathogenic for Houge-Janssens syndrome 1. Last evaluated: 2022-06-01. Review status: no assertion criteria provided. Collection method: provider interpretation. Allele origin: inherited. Affected: yes. Not counted in ClinVar's aggregate classification.
Comment: Variant confirmed as disease-causing by referring clinical team

Variant identified during reanalysis of unsolved cases by the Solve-RD project. The Solve-RD project has received funding from the European Union’s Horizon 2020 research and innovation programme under grant agreement No 779257.

Clinical Genomics Laboratory, Stanford Medicine
Classification: Pathogenic for Houge-Janssens syndrome 1. Last evaluated: 2019-10-28. Review status: no assertion criteria provided. Collection method: clinical testing. Allele origin: germline. Inheritance: Autosomal dominant inheritance. Affected: yes. Not counted in ClinVar's aggregate classification.
Comment: This variant was absent from large population databases, including the Genome Aggregation Database. The p.Glu200Lys variant is located in a conserved acidic loop domain of PPP2R5D where other pathogenic and likely pathogenic variants have been described, and functional studies suggest the p.Glu200Lys variant reduces binding to other protein phosphatase 2A subunits (Houge et al., 2015). Additionally, the PPP2R5D gene has fewer missense variants in the general population than expected. A low rate of missense variation may suggest that this gene is intolerant to missense variation. These data were assessed using the ACMG/AMP variant interpretation guidelines. In summary, there is sufficient evidence to classify the p.Glu200Lys variant as pathogenic for autosomal dominant PPP2R5D-related neurodevelopmental disorder based on the information above. [ACMG evidence codes used: PS2_very strong; PS3_moderate; PM2; PP2]

OMIM
Classification: Pathogenic for HOUGE-JANSSENS SYNDROME 1. Last evaluated: 2015-08-03. Review status: no assertion criteria provided. Collection method: literature only. Allele origin: germline. Not counted in ClinVar's aggregate classification.

Clinical Genetics DNA and cytogenetics Diagnostics Lab, Erasmus MC, Erasmus Medical Center
Classification: Pathogenic. Review status: no assertion criteria provided. Collection method: clinical testing. Allele origin: germline. Affected: yes. Study: VKGL Data-share Consensus. Not counted in ClinVar's aggregate classification.

Diagnostic Laboratory, Department of Genetics, University Medical Center Groningen
Classification: Pathogenic. Review status: no assertion criteria provided. Collection method: clinical testing. Allele origin: germline. Affected: yes. Study: VKGL Data-share Consensus. Not counted in ClinVar's aggregate classification.

GeneReviews
No classification provided. Condition: Houge-Janssens syndrome 1. Review status: no classification provided. Collection method: literature only. Allele origin: de novo. Not counted in ClinVar's aggregate classification.

Joint Genome Diagnostic Labs from Nijmegen and Maastricht, Radboudumc and MUMC+
Classification: Pathogenic. Review status: no assertion criteria provided. Collection method: clinical testing. Allele origin: germline. Affected: yes. Study: VKGL Data-share Consensus. Not counted in ClinVar's aggregate classification.

Literature cited by the submitters: PubMed 25533962 (cited by Ambry Genetics); PubMed 25972378 (cited by 3 submitters); PubMed 26168268 (cited by 6 submitters); PubMed 32005694 (cited by 3 submitters); PubMed 32743835 (cited by Ambry Genetics and Dasa); PubMed 34490615 (cited by Ambry Genetics); PubMed 35887114 (cited by Ambry Genetics); PubMed 29051493 (cited by Dasa and Women's Health and Genetics/Laboratory Corporation of America, LabCorp); PubMed 32074998 (cited by Dasa); PubMed 33338668 (cited by Dasa); PubMed 36216457 (cited by Dasa and Women's Health and Genetics/Laboratory Corporation of America, LabCorp); PubMed 39825153 (cited by Solve-RD Consortium); PubMed 30615140 (cited by OMIM); NCBI Bookshelf NBK536360 (cited by GeneReviews); PubMed 30676711 (cited by GeneReviews).